The following is an entry in ClinVar:

ClinVar aggregate classification (germline): Conflicting classifications of pathogenicity. Review status: criteria provided, conflicting classifications (1 of 4 stars). 2 submissions from 2 submitters: Likely pathogenic (1); Uncertain significance (1). Last evaluated 2024-03-06.

Submissions (2):

Blueprint Genetics
Classification: Uncertain significance. Last evaluated: 2024-03-06. Review status: criteria provided, single submitter. Criteria: ACMG Guidelines, 2015. Collection method: clinical testing. Allele origin: germline.

GeneDx
Classification: Likely pathogenic. Last evaluated: 2017-06-14. Review status: criteria provided, single submitter. Criteria: GeneDx Variant Classification (06012015). Collection method: clinical testing. Allele origin: germline. Affected: yes.
Comment: A variant that is likely pathogenic has been identified in the CACNA1A gene. The c.5842+1 G>T variant has not been published as a pathogenic variant, nor has it been reported as a benign variant to our knowledge. The c.5842+1 G>T variant is not observed in large population cohorts (Lek et al., 2016; 1000 Genomes Consortium et al., 2015; Exome Variant Server). The c.5842+1 G>T splice site variant destroys the canonical splice donor site in intron 39. It is predicted to cause abnormal gene splicing, either leading to an abnormal message that is subject to nonsense-mediated mRNA decay, or to an abnormal protein product if the message is used for protein translation. Therefore, this variant is likely pathogenic; however, the possibility that it is benign cannot be excluded.

NM_001127222.2(CACNA1A):c.5839+1G>T

Gene: CACNA1A (calcium voltage-gated channel subunit alpha1 A; minus strand). Cytogenetic location: 19p13.13.
Variant type: single nucleotide variant.
Coding change: c.5839+1G>T on transcript NM_001127222.2 (MANE Select); the canonical splice donor site of the intron after coding-DNA position 5839, G replaced by T.
Molecular consequence: splice donor variant.
Genome position (GRCh38, 1-based): chr19:13,214,500, C>A on the plus strand (G>T on the coding strand, the complement: CACNA1A is on the minus strand). VCF-style: chr19-13214500-C-A. GRCh37 (hg19) VCF-style: chr19-13325314-C-A.
Other names: c.5842+1G>T (NM_001127221.2); c.5848+1G>T (NM_001174080.2); c.5857+1G>T (NM_000068.4, NM_023035.3).
Identifiers: ClinVar variation 432730 (VCV000432730.3), dbSNP rs951196653, ClinGen allele CA305552540.